The following is an entry in ClinVar:

ClinVar aggregate classification (germline): Uncertain significance (1 of 4 stars; one submission).

Conditions:
Inborn genetic diseases. Identifiers: MedGen C0950123, MeSH D030342.

Submission:

Ambry Genetics
Classification: Uncertain significance for Inborn genetic diseases. Last evaluated: 2024-02-23. Review status: criteria provided, single submitter. Criteria: Ambry Variant Classification Scheme 2023. Collection method: clinical testing. Allele origin: germline.
Comment: The p.S568F variant (also known as c.1703C>T), located in coding exon 15 of the LRRK2 gene, results from a C to T substitution at nucleotide position 1703. The serine at codon 568 is replaced by phenylalanine, an amino acid with highly dissimilar properties. This amino acid position is conserved. In addition, the in silico prediction for this alteration is inconclusive. Since supporting evidence is limited at this time, the clinical significance of this alteration remains unclear.

NM_198578.4(LRRK2):c.1703C>T (p.Ser568Phe)

Gene: LRRK2 (leucine rich repeat kinase 2; plus strand). Cytogenetic location: 12q12.
Variant type: single nucleotide variant.
Coding change: c.1703C>T on transcript NM_198578.4 (MANE Select); coding-DNA position 1703, C replaced by T.
Protein change: p.Ser568Phe; replaces serine 568 with phenylalanine.
Molecular consequence: missense variant.
Genome position (GRCh38, 1-based): chr12:40,274,629, C>T. VCF-style: chr12-40274629-C-T. GRCh37 (hg19) VCF-style: chr12-40668431-C-T.
Other names: short protein forms S568F.
Identifiers: ClinVar variation 1778394 (VCV001778394.2), dbSNP rs796429024, ClinGen allele CA384402891.